The following is an entry in ClinVar:

NM_025114.4(CEP290):c.6661G>T (p.Glu2221Ter)

Gene: CEP290 (centrosomal protein 290; minus strand). Cytogenetic location: 12q21.32.
Variant type: single nucleotide variant.
Coding change: c.6661G>T on transcript NM_025114.4 (MANE Select); coding-DNA position 6661, G replaced by T.
Protein change: p.Glu2221Ter; replaces glutamic acid 2221 with a stop codon.
Molecular consequence: nonsense.
Genome position (GRCh38, 1-based): chr12:88,059,005, C>A on the plus strand (G>T on the coding strand, the complement: CEP290 is on the minus strand). VCF-style: chr12-88059005-C-A. GRCh37 (hg19) VCF-style: chr12-88452782-C-A.
Other names: short protein forms E2221*.
Identifiers: ClinVar variation 2125053 (VCV002125053.5), dbSNP rs2034243912, ClinGen allele CA385977837.

ClinVar aggregate classification (germline): Pathogenic. Review status: criteria provided, multiple submitters, no conflicts (2 of 4 stars). 2 submissions from 2 submitters: Pathogenic (2). Last evaluated 2025-02-04.

Conditions:
CEP290-related ciliopathy. Also called: CEP290 ciliopathy. Identifiers: MedGen CN305601, MONDO:0100451.
Meckel-Gruber syndrome. Also called: DYSENCEPHALIA SPLANCHNOCYSTICA; GRUBER SYNDROME; Dysencephalia splachnocystica. Identifiers: Orphanet 564, MedGen C0265215, MONDO:0018921.
Nephronophthisis. Also called: Juvenile Nephronophthisis. Identifiers: Orphanet 655, MedGen C0687120, MONDO:0019005, HP:0000090.
Joubert syndrome. Also called: JOUBERT-BOLTSHAUSER SYNDROME; Familial aplasia of the vermis. Identifiers: Orphanet 475, MedGen C5979921, MONDO:0018772.

Allele frequency attached by ClinVar (database versions not stated): gnomAD 0.00001.

Submissions (2):

Myriad Genetics, Inc.
Classification: Pathogenic for CEP290-related ciliopathy. Last evaluated: 2025-02-04. Review status: criteria provided, single submitter. Criteria: Myriad Autosomal Dominant, Autosomal Recessive and X-Linked Classification Criteria (2023). Collection method: clinical testing. Allele origin: unknown.
Comment: NM_025114.3(CEP290):c.6661G>T(E2221*) is expected to be pathogenic in the context of CEP290-related disorders. This variant is predicted to lead to an abnormal or absent protein product due to the creation of a premature termination codon in CEP290, a gene where loss-of-function variants are known to be pathogenic. Please note: this variant was assessed in the context of healthy population screening.

Labcorp Genetics (formerly Invitae), Labcorp
Classification: Pathogenic for Joubert syndrome; Meckel-Gruber syndrome; Nephronophthisis. Last evaluated: 2022-04-12. Review status: criteria provided, single submitter. Criteria: Invitae Variant Classification Sherloc (09022015). Collection method: clinical testing. Allele origin: germline.
Comment: This variant is not present in population databases (gnomAD no frequency). This sequence change creates a premature translational stop signal (p.Glu2221*) in the CEP290 gene. It is expected to result in an absent or disrupted protein product. Loss-of-function variants in CEP290 are known to be pathogenic (PMID: 16909394, 17345604, 20690115). This variant has not been reported in the literature in individuals affected with CEP290-related conditions. For these reasons, this variant has been classified as Pathogenic. Algorithms developed to predict the effect of sequence changes on RNA splicing suggest that this variant may disrupt the consensus splice site.

Literature cited by the submitters: PubMed 16909394 (cited by Labcorp Genetics (formerly Invitae), Labcorp); PubMed 17345604 (cited by Labcorp Genetics (formerly Invitae), Labcorp); PubMed 20690115 (cited by Labcorp Genetics (formerly Invitae), Labcorp).